The following is an entry in ClinVar:

NM_005982.4(SIX1):c.500A>G (p.Gln167Arg)

Genes: MIR9718 (microRNA 9718; plus strand), SIX1 (SIX homeobox 1; minus strand). Cytogenetic location: 14q23.1.
Variant type: single nucleotide variant.
Coding change: c.500A>G on transcript NM_005982.4 (MANE Select); coding-DNA position 500, A replaced by G.
Protein change: p.Gln167Arg; replaces glutamine 167 with arginine.
Molecular consequence: missense variant. On other transcripts: non-coding transcript variant (1).
Genome position (GRCh38, 1-based): chr14:60,648,690, T>C on the plus strand (A>G on the coding strand, the complement: SIX1 is on the minus strand). VCF-style: chr14-60648690-T-C. GRCh37 (hg19) VCF-style: chr14-61115408-T-C.
Other names: short protein forms Q167R.
Identifiers: ClinVar variation 1805006 (VCV001805006.1), dbSNP rs2502643576, ClinGen allele CA389910185.

ClinVar aggregate classification (germline): Likely pathogenic (1 of 4 stars; one submission).

Conditions:
Melnick-Fraser syndrome (BOR). Also called: Branchiootorenal syndrome; Branchiootorenal Syndrome (BORS); Branchio-oto-renal syndrome. Identifiers: Orphanet 107, MedGen C0265234, MONDO:0007029.

Submission:

Victorian Clinical Genetics Services, Murdoch Childrens Research Institute
Classification: Likely pathogenic for Melnick-Fraser syndrome. Last evaluated: 2022-09-02. Review status: criteria provided, single submitter. Criteria: ACMG Guidelines, 2015. Collection method: clinical testing. Allele origin: germline. Inheritance: Autosomal dominant inheritance. Affected: yes.
Comment: Based on the classification scheme VCGS_Germline_v1.3.4, this variant is classified as Likely Pathogenic. Following criteria are met: 0102 - Loss of function is a known mechanism of disease in this gene and is associated with Branchiootic syndrome 3 (MIM#608389) and Branchio-oto-renal (BOR) syndrome (MONDO#0007029). (I) 0107 - This gene is associated with autosomal dominant disease. The association with isolated non-syndromic hearing loss (MIM#605192) is tenuous. Instead, ClinGen has suggested that it represents a spectrum of BOR syndrome. (I) 0115 - Variants in this gene are known to have variable expressivity. In addition to intra-familial variability, the same variant has been reported in both isolated hearing loss and BOR syndrome (PMID: 18330911, 24164807). (I) 0200 - Variant is predicted to result in a missense amino acid change from glutamine to arginine. (I) 0251 - This variant is heterozygous. (I) 0301 - Variant is absent from gnomAD (both v2 and v3). (SP) 0501 - Missense variant consistently predicted to be damaging by multiple in silico tools or highly conserved with a major amino acid change. (SP) 0600 - Variant is located in the annotated homeodomain (NCBI, DECIPHER). (I) 0705 - No comparable missense variants have previous evidence for pathogenicity. (I) 0807 - This variant has no previous evidence of pathogenicity. (I) 0903 - This variant has limited evidence for segregation with disease. It has been shown to segregate with disease in three affected family members across three generations. (I) 1007 - No published functional evidence has been identified for this variant. (I) Legend: (SP) - Supporting pathogenic, (I) - Information, (SB) - Supporting benign

Literature cited by the submitters: PubMed 18330911; PubMed 24164807.